The following is an entry in ClinVar:

NM_000487.6(ARSA):c.388G>A (p.Val130Met)

Gene: ARSA (arylsulfatase A; minus strand). Cytogenetic location: 22q13.33.
Variant type: single nucleotide variant.
Coding change: c.388G>A on transcript NM_000487.6 (MANE Select); coding-DNA position 388, G replaced by A.
Protein change: p.Val130Met; replaces valine 130 with methionine.
Molecular consequence: missense variant.
Genome position (GRCh38, 1-based): chr22:50,627,243, C>T on the plus strand (G>A on the coding strand, the complement: ARSA is on the minus strand). VCF-style: chr22-50627243-C-T. GRCh37 (hg19) VCF-style: chr22-51065671-C-T.
Other names: c.388G>A (NM_000487.5); c.388G>A, p.Val130Met (NM_001085425.3, NM_001085426.3, NM_001085427.3); c.130G>A, p.Val44Met (NM_001085428.3, NM_001362782.2); short protein forms V130M, V44M.
Identifiers: ClinVar variation 2084945 (VCV002084945.2), dbSNP rs1232520412, ClinGen allele CA412180625.

ClinVar aggregate classification (germline): Uncertain significance. Review status: criteria provided, multiple submitters, no conflicts (2 of 4 stars). 2 submissions from 2 submitters: Uncertain significance (2). Last evaluated 2025-08-05.

Conditions:
Inborn genetic diseases. Identifiers: MedGen C0950123, MeSH D030342.
Metachromatic leukodystrophy (MLD). Also called: SULFATIDE LIPIDOSIS; Cerebral sclerosis diffuse metachromatic form; ARSA DEFICIENCY; CEREBROSIDE SULFATASE DEFICIENCY; Arylsulfatase A Deficiency; METACHROMATIC LEUKOENCEPHALOPATHY. Identifiers: Orphanet 512, MedGen C0023522, MONDO:0018868, OMIM 250100.

Allele frequency attached by ClinVar (database versions not stated): TOPMed below 0.00001; gnomAD exomes 0.00001.
gnomAD v4.1: 4 of 1,606,728 alleles (0.00025%); highest among the groups gnomAD compares: Non-Finnish European, 0.00025%; no homozygotes.

Submissions (2):

Ambry Genetics
Classification: Uncertain significance for Inborn genetic diseases. Last evaluated: 2025-08-05. Review status: criteria provided, single submitter. Criteria: Ambry Variant Classification Scheme 2023. Collection method: clinical testing. Allele origin: germline.

Labcorp Genetics (formerly Invitae), Labcorp
Classification: Uncertain significance for Metachromatic leukodystrophy. Last evaluated: 2022-01-03. Review status: criteria provided, single submitter. Criteria: Invitae Variant Classification Sherloc (09022015). Collection method: clinical testing. Allele origin: germline.
Comment: This sequence change replaces valine, which is neutral and non-polar, with methionine, which is neutral and non-polar, at codon 130 of the ARSA protein (p.Val130Met). This variant is not present in population databases (gnomAD no frequency). This variant has not been reported in the literature in individuals affected with ARSA-related conditions. Advanced modeling of protein sequence and biophysical properties (such as structural, functional, and spatial information, amino acid conservation, physicochemical variation, residue mobility, and thermodynamic stability) performed at Invitae indicates that this missense variant is expected to disrupt ARSA protein function. In summary, the available evidence is currently insufficient to determine the role of this variant in disease. Therefore, it has been classified as a Variant of Uncertain Significance.